The following is an entry in ClinVar:

NM_017514.5(PLXNA3):c.4150A>G (p.Lys1384Glu)

Gene: PLXNA3 (plexin A3; plus strand). Cytogenetic location: Xq28.
Variant type: single nucleotide variant.
Coding change: c.4150A>G on transcript NM_017514.5 (MANE Select); coding-DNA position 4150, A replaced by G.
Protein change: p.Lys1384Glu; replaces lysine 1384 with glutamic acid.
Molecular consequence: missense variant.
Genome position (GRCh38, 1-based): chrX:154,468,489, A>G. VCF-style: chrX-154468489-A-G. GRCh37 (hg19) VCF-style: chrX-153696832-A-G.
Other names: short protein forms K1384E.
Identifiers: ClinVar variation 3346086 (VCV003346086.1).

ClinVar aggregate classification (germline): Uncertain significance (0 of 4 stars; one submission).

Conditions:
PLXNA3-related disorder. Also called: PLXNA3-related condition.

gnomAD v4.1: 3 of 1,211,064 alleles (0.00025%); highest among the groups gnomAD compares: Non-Finnish European, 0.00034%; no homozygotes.

Submission:

PreventionGenetics, part of Exact Sciences
Classification: Uncertain significance for PLXNA3-related condition. Last evaluated: 2024-05-10. Review status: no assertion criteria provided. Collection method: clinical testing. Allele origin: germline.
Comment: The PLXNA3 c.4150A>G variant is predicted to result in the amino acid substitution p.Lys1384Glu. To our knowledge, this variant has not been reported in the literature or in a large population database, indicating this variant is rare. At this time, the clinical significance of this variant is uncertain due to the absence of conclusive functional and genetic evidence.